The following is an entry in ClinVar:

NM_000548.5(TSC2):c.3611-8C>T

Gene: TSC2 (TSC complex subunit 2; plus strand). Cytogenetic location: 16p13.3.
Variant type: single nucleotide variant.
Coding change: c.3611-8C>T on transcript NM_000548.5 (MANE Select); 8 bases into the intron before coding-DNA position 3611, C replaced by T.
Molecular consequence: intron variant.
Genome position (GRCh38, 1-based): chr16:2,081,587, C>T. VCF-style: chr16-2081587-C-T. GRCh37 (hg19) VCF-style: chr16-2131588-C-T.
Other names: c.3611-8C>T (NM_001114382.3); c.3482-8C>T (NM_021055.3, NM_001370405.1, NM_001363528.2); c.3479-8C>T (NM_001370404.1, NM_001077183.3); c.3371-8C>T (NM_001318827.2); c.2879-8C>T (NM_001318831.2); c.3335-8C>T (NM_001318829.2); c.3512-8C>T (NM_001318832.2).
Identifiers: ClinVar variation 753280 (VCV000753280.10), dbSNP rs1596399469, ClinGen allele CA915946297.

ClinVar aggregate classification (germline): Likely benign. Review status: criteria provided, multiple submitters, no conflicts (2 of 4 stars). 2 submissions from 2 submitters: Likely benign (2). Last evaluated 2025-11-20.

Conditions:
Tuberous sclerosis 2 (TSC2). Identifiers: Orphanet 805, MedGen C1860707, MONDO:0013199, OMIM 613254.

Allele frequency attached by ClinVar (database versions not stated): gnomAD exomes below 0.00001; TOPMed below 0.00001.
gnomAD v4.1: 2 of 1,612,884 alleles (0.00012%); highest among the groups gnomAD compares: Non-Finnish European, 0.00017%; no homozygotes.

Submissions (2):

Labcorp Genetics (formerly Invitae), Labcorp
Classification: Likely benign for Tuberous sclerosis 2. Last evaluated: 2025-11-20. Review status: criteria provided, single submitter. Criteria: Invitae Variant Classification Sherloc (09022015). Collection method: clinical testing. Allele origin: germline.

Myriad Genetics, Inc.
Classification: Likely benign for Tuberous sclerosis 2. Last evaluated: 2025-05-30. Review status: criteria provided, single submitter. Criteria: Myriad Autosomal Dominant, Autosomal Recessive and X-Linked Classification Criteria (2023). Collection method: clinical testing. Allele origin: unknown.
Comment: This variant is considered likely benign. This variant is intronic and is not expected to impact mRNA splicing.